The following is an entry in ClinVar:

NM_033380.3(COL4A5):c.2998G>A (p.Gly1000Arg)

Gene: COL4A5 (collagen type IV alpha 5 chain; plus strand). Cytogenetic location: Xq22.3.
Variant type: single nucleotide variant.
Coding change: c.2998G>A on transcript NM_033380.3 (MANE Select); coding-DNA position 2998, G replaced by A.
Protein change: p.Gly1000Arg; replaces glycine 1000 with arginine.
Molecular consequence: missense variant.
Genome position (GRCh38, 1-based): chrX:108,624,316, G>A. VCF-style: chrX-108624316-G-A. GRCh37 (hg19) VCF-style: chrX-107867546-G-A.
Other names: p.Gly1000Arg; c.2998G>A (NM_000495.4, NM_033380.1); c.2998G>A, p.Gly1000Arg (NM_000495.5); short protein forms G1000R.
Identifiers: ClinVar variation 1066338 (VCV001066338.16), dbSNP rs2067110688, ClinGen allele CA413853607.

ClinVar aggregate classification (germline): Pathogenic/Likely pathogenic. Review status: criteria provided, multiple submitters, no conflicts (2 of 4 stars). 7 submissions from 7 submitters: Pathogenic (1); Likely pathogenic (6). Last evaluated 2025-08-27.

Conditions:
X-linked Alport syndrome (ATS1). Also called: NEPHROPATHY AND DEAFNESS, X-LINKED; COL4A5-Related Nephropathy. Identifiers: Orphanet 63, Orphanet 88917, MedGen C4746986, MONDO:0010520, OMIM 301050.

Allele frequency attached by ClinVar (database versions not stated): gnomAD 0.00003; TOPMed 0.00003.
gnomAD v4.1: 4 of 1,204,961 alleles (0.00033%); highest among the groups gnomAD compares: Admixed American, 0.0066%; no homozygotes.

Submissions (7):

Natera, Inc.
Classification: Likely pathogenic for X-linked Alport syndrome. Last evaluated: 2025-08-27. Review status: criteria provided, single submitter. Criteria: Natera Variant Classification Schema (03/2026). Collection method: clinical testing. Allele origin: germline.
Comment: The c.2998G>A variant in COL4A5 is a missense variant predicted to cause substitution of glycine to arginine at amino acid 1000. This variant is rare in the general population with a frequency below the threshold expected for the associated phenotype(s). This variant is located in a functionally critical region of the protein. Computational prediction algorithms indicate this variant is likely to affect gene or protein function. Given the available evidence, this variant is classified as Likely Pathogenic.

Labcorp Genetics (formerly Invitae), Labcorp
Classification: Likely pathogenic. Last evaluated: 2025-06-12. Review status: criteria provided, single submitter. Criteria: Invitae Variant Classification Sherloc (09022015). Collection method: clinical testing. Allele origin: germline.
Comment: This sequence change replaces glycine, which is neutral and non-polar, with arginine, which is basic and polar, at codon 1000 of the COL4A5 protein (p.Gly1000Arg). This variant is not present in population databases (gnomAD no frequency). This missense change has been observed in individual(s) with Alport syndrome (PMID: 31308072; internal data). ClinVar contains an entry for this variant (Variation ID: 1066338). Invitae Evidence Modeling of protein sequence and biophysical properties (such as structural, functional, and spatial information, amino acid conservation, physicochemical variation, residue mobility, and thermodynamic stability) indicates that this missense variant is expected to disrupt COL4A5 protein function with a positive predictive value of 95%. This variant disrupts the triple helix domain of COL4A5. Glycine residues within the Gly-Xaa-Yaa repeats of the triple helix domain are required for the structure and stability of fibrillar collagens (PMID: 7695699, 8218237, 19344236). In COL4A5, missense variants at these glycine residues are significantly enriched in individuals with disease (PMID: 23720012, 27627812) compared to the general population (ExAC). This variant disrupts the p.Gly1000 amino acid residue in COL4A5. Other variant(s) that disrupt this residue have been observed in individuals with COL4A5-related conditions (PMID: 29270492), which suggests that this may be a clinically significant amino acid residue. In summary, the currently available evidence indicates that the variant is pathogenic, but additional data are needed to prove that conclusively. Therefore, this variant has been classified as Likely Pathogenic.

Women's Health and Genetics/Laboratory Corporation of America, LabCorp
Classification: Likely pathogenic for X-linked Alport syndrome. Last evaluated: 2025-03-03. Review status: criteria provided, single submitter. Criteria: LabCorp Variant Classification Summary - May 2015. Collection method: clinical testing. Allele origin: germline.
Comment: Variant summary: COL4A5 c.2998G>A (p.Gly1000Arg) results in a non-conservative amino acid change within the triple-helical region (UniProt) of the encoded protein sequence. This missense variant disrupts a critical glycine residue at position 1 of a Gly-X-Y repeat in the collagenous domain of the collagen IV alpha 5 chain, and variants affecting these glycine residues are significantly enriched in individuals with Alport syndrome (PMID: 33854215). Five of five in-silico tools predict a damaging effect of the variant on protein function. The variant was absent in 177702 control chromosomes. c.2998G>A has been reported in the literature as an unspecified genotype in at least one individual affected with focal and segmental glomerulosclerosis who underwent WES (Wang_2019). To our knowledge, no experimental evidence demonstrating an impact on protein function has been reported. The following publication has been ascertained in the context of this evaluation (PMID: 31308072). ClinVar contains an entry for this variant (Variation ID: 1066338). Based on the evidence outlined above, the variant was classified as likely pathogenic.

Fulgent Genetics
Classification: Pathogenic for X-linked Alport syndrome. Last evaluated: 2024-01-26. Review status: criteria provided, single submitter. Criteria: ACMG Guidelines, 2015. Collection method: clinical testing. Allele origin: germline.

GeneDx
Classification: Likely pathogenic. Last evaluated: 2023-07-18. Review status: criteria provided, single submitter. Criteria: GeneDx Variant Classification Process June 2021. Collection method: clinical testing. Allele origin: germline. Affected: yes.
Comment: Not observed at significant frequency in large population cohorts (gnomAD); Affects a glycine residue in a Gly-X-Y motif in the triple helical region of the COL4A5 gene, where the majority of pathogenic missense variants occur, and is predicted to disrupt normal protein folding and function (Jais et al., 2000); In silico analysis supports that this missense variant has a deleterious effect on protein structure/function; Has not been previously published as pathogenic or benign to our knowledge; This variant is associated with the following publications: (PMID: 10752524)

Mayo Clinic Laboratories, Mayo Clinic
Classification: Likely pathogenic. Last evaluated: 2023-06-13. Review status: criteria provided, single submitter. Criteria: ACMG Guidelines, 2015. Collection method: clinical testing. Allele origin: germline. Observed: 1 variant allele.
Comment: PP3, PM1, PM2, PM5

Clinical Genetics Service, Universitary Hospital 12 de Octubre
Classification: Likely pathogenic for X-linked Alport syndrome. Review status: criteria provided, single submitter. Criteria: ACMG Guidelines, 2015. Collection method: clinical testing. Allele origin: maternal. Affected: yes.

Literature cited by the submitters: PubMed 31308072 (cited by Labcorp Genetics (formerly Invitae), Labcorp and Women's Health and Genetics/Laboratory Corporation of America, LabCorp); PubMed 7695699 (cited by Labcorp Genetics (formerly Invitae), Labcorp); PubMed 8218237 (cited by Labcorp Genetics (formerly Invitae), Labcorp); PubMed 19344236 (cited by Labcorp Genetics (formerly Invitae), Labcorp); PubMed 23720012 (cited by Labcorp Genetics (formerly Invitae), Labcorp); PubMed 27627812 (cited by Labcorp Genetics (formerly Invitae), Labcorp); PubMed 29270492 (cited by Labcorp Genetics (formerly Invitae), Labcorp and Mayo Clinic Laboratories, Mayo Clinic); PubMed 32405592 (cited by Mayo Clinic Laboratories, Mayo Clinic).